The following is an entry in ClinVar:

NM_175735.4(LYG2):c.141G>A (p.Lys47=)

Gene: LYG2 (lysozyme g2; minus strand). Cytogenetic location: 2q11.2.
Variant type: single nucleotide variant.
Coding change: c.141G>A on transcript NM_175735.4 (MANE Select); coding-DNA position 141, G replaced by A.
Protein change: p.Lys47=; no amino-acid change (lysine 47 retained).
Molecular consequence: synonymous variant.
Genome position (GRCh38, 1-based): chr2:99,246,723, C>T on the plus strand (G>A on the coding strand, the complement: LYG2 is on the minus strand). VCF-style: chr2-99246723-C-T. GRCh37 (hg19) VCF-style: chr2-99863186-C-T.
Identifiers: ClinVar variation 3905344 (VCV003905344.10).

ClinVar aggregate classification (germline): Likely benign (1 of 4 stars; one submission).

gnomAD v4.1: 31 of 1,614,160 alleles (0.0019%); highest among the groups gnomAD compares: South Asian, 0.031%; no homozygotes.

Submission:

CeGaT Center for Human Genetics Tuebingen
Classification: Likely benign. Last evaluated: 2025-06-01. Review status: criteria provided, single submitter. Criteria: CeGaT Center For Human Genetics Tuebingen Variant Classification Criteria Version 2. Collection method: clinical testing. Allele origin: germline. Affected: yes. Observed: 1 variant allele.
Comment: LYG2: BP4, BP7